The following is an entry in ClinVar:

ClinVar aggregate classification (germline): Pathogenic (1 of 4 stars; one submission).

Conditions:
Familial thoracic aortic aneurysm and aortic dissection (TAAD). Also called: Thoracic aortic aneurysms and dissections. Identifiers: Orphanet 91387, MedGen C4707243, MONDO:0019625.
Marfan syndrome (MFS). Also called: FBN1-Related Marfan Syndrome; Marfan's syndrome; MARFAN SYNDROME, TYPE I; Marfan syndrome type 1; Marfan syndrome, classic. Identifiers: Orphanet 284963, Orphanet 558, MedGen C0024796, MONDO:0007947, OMIM 154700.

Submission:

Labcorp Genetics (formerly Invitae), Labcorp
Classification: Pathogenic for Marfan syndrome; Familial thoracic aortic aneurysm and aortic dissection. Last evaluated: 2023-07-30. Review status: criteria provided, single submitter. Criteria: Invitae Variant Classification Sherloc (09022015). Collection method: clinical testing. Allele origin: germline.
Comment: For these reasons, this variant has been classified as Pathogenic. This variant affects a cysteine residue in the EGF-like, TGFBP or hybrid motif domains of FBN1. Cysteine residues are believed to be involved in intramolecular disulfide bridges and have been shown to be important for FBN1 protein structure (PMID: 16905551, 19349279). In addition, missense substitutions affecting cysteine residues within these domains are significantly overrepresented among patients with Marfan syndrome (PMID: 16571647, 17701892). Advanced modeling of protein sequence and biophysical properties (such as structural, functional, and spatial information, amino acid conservation, physicochemical variation, residue mobility, and thermodynamic stability) performed at Invitae indicates that this missense variant is expected to disrupt FBN1 protein function. ClinVar contains an entry for this variant (Variation ID: 847403). This missense change has been observed in individual(s) with Marfan syndrome (PMID: 19159394, 28941062). This variant is not present in population databases (gnomAD no frequency). This sequence change replaces cysteine, which is neutral and slightly polar, with arginine, which is basic and polar, at codon 1284 of the FBN1 protein (p.Cys1284Arg).

Literature cited by the submitters: PubMed 16905551; PubMed 19349279; PubMed 16571647; PubMed 17701892; PubMed 19159394; PubMed 28941062.

NM_000138.5(FBN1):c.3850T>C (p.Cys1284Arg)

Gene: FBN1 (fibrillin 1; minus strand). Cytogenetic location: 15q21.1.
Variant type: single nucleotide variant.
Coding change: c.3850T>C on transcript NM_000138.5 (MANE Select); coding-DNA position 3850, T replaced by C.
Protein change: p.Cys1284Arg; replaces cysteine 1284 with arginine.
Molecular consequence: missense variant.
Genome position (GRCh38, 1-based): chr15:48,481,769, A>G on the plus strand (T>C on the coding strand, the complement: FBN1 is on the minus strand). VCF-style: chr15-48481769-A-G. GRCh37 (hg19) VCF-style: chr15-48773966-A-G.
Other names: short protein forms C1284R.
Identifiers: ClinVar variation 847403 (VCV000847403.4), dbSNP rs2043467154, ClinGen allele CA392322572.